The following is an entry in ClinVar:

NM_000834.5(GRIN2B):c.2303A>G (p.Lys768Arg)

Gene: GRIN2B (glutamate ionotropic receptor NMDA type subunit 2B; minus strand). Cytogenetic location: 12p13.1.
Variant type: single nucleotide variant.
Coding change: c.2303A>G on transcript NM_000834.5 (MANE Select); coding-DNA position 2303, A replaced by G.
Protein change: p.Lys768Arg; replaces lysine 768 with arginine.
Molecular consequence: missense variant.
Genome position (GRCh38, 1-based): chr12:13,569,886, T>C on the plus strand (A>G on the coding strand, the complement: GRIN2B is on the minus strand). VCF-style: chr12-13569886-T-C. GRCh37 (hg19) VCF-style: chr12-13722820-T-C.
Other names: c.2303A>G, p.Lys768Arg (NM_001413992.1); short protein forms K768R.
Identifiers: ClinVar variation 4537821 (VCV004537821.1).

ClinVar aggregate classification (germline): Uncertain significance (1 of 4 stars; one submission).

gnomAD v4.1: 1 of 1,613,196 alleles (0.000062%); highest among the groups gnomAD compares: Non-Finnish European, 0.000085%; no homozygotes.

Submission:

GeneDx
Classification: Uncertain significance. Last evaluated: 2025-06-15. Review status: criteria provided, single submitter. Criteria: GeneDx Variant Classification Process June 2021. Collection method: clinical testing. Allele origin: germline. Affected: yes.
Comment: Not observed at significant frequency in large population cohorts (gnomAD); Has not been previously published as pathogenic or benign to our knowledge; This variant is associated with the following publications: (PMID: 27839871)